The following is an entry in ClinVar:

ClinVar aggregate classification (germline): Uncertain significance. Review status: criteria provided, multiple submitters, no conflicts (2 of 4 stars). 2 submissions from 2 submitters: Uncertain significance (2). Last evaluated 2025-06-26.

Allele frequency attached by ClinVar (database versions not stated): ExAC 0.00001; gnomAD 0.00001; gnomAD exomes 0.00001; TOPMed 0.00001.
gnomAD v4.1: 22 of 1,609,814 alleles (0.0014%); highest among the groups gnomAD compares: Admixed American, 0.0034%; no homozygotes.

Submissions (2):

Labcorp Genetics (formerly Invitae), Labcorp
Classification: Uncertain significance. Last evaluated: 2025-06-26. Review status: criteria provided, single submitter. Criteria: Invitae Variant Classification Sherloc (09022015). Collection method: clinical testing. Allele origin: germline.
Comment: This sequence change replaces arginine, which is basic and polar, with tryptophan, which is neutral and slightly polar, at codon 81 of the PDE6B protein (p.Arg81Trp). This variant is present in population databases (rs775472684, gnomAD 0.006%). This variant has not been reported in the literature in individuals affected with PDE6B-related conditions. ClinVar contains an entry for this variant (Variation ID: 1017511). Invitae Evidence Modeling of protein sequence and biophysical properties (such as structural, functional, and spatial information, amino acid conservation, physicochemical variation, residue mobility, and thermodynamic stability) has been performed for this missense variant. However, the output from this modeling did not meet the statistical confidence thresholds required to predict the impact of this variant on PDE6B protein function. In summary, the available evidence is currently insufficient to determine the role of this variant in disease. Therefore, it has been classified as a Variant of Uncertain Significance.

Blueprint Genetics
Classification: Uncertain significance. Last evaluated: 2019-03-07. Review status: criteria provided, single submitter. Criteria: ACMG Guidelines, 2015. Collection method: clinical testing. Allele origin: germline.

NM_000283.4(PDE6B):c.241C>T (p.Arg81Trp)

Gene: PDE6B (phosphodiesterase 6B; plus strand). Cytogenetic location: 4p16.3.
Variant type: single nucleotide variant.
Coding change: c.241C>T on transcript NM_000283.4 (MANE Select); coding-DNA position 241, C replaced by T.
Protein change: p.Arg81Trp; replaces arginine 81 with tryptophan.
Molecular consequence: missense variant.
Genome position (GRCh38, 1-based): chr4:625,867, C>T. VCF-style: chr4-625867-C-T. GRCh37 (hg19) VCF-style: chr4-619656-C-T.
Other names: c.241C>T, p.Arg81Trp (NM_001145291.2); short protein forms R81W.
Identifiers: ClinVar variation 1017511 (VCV001017511.9), dbSNP rs775472684, ClinGen allele CA2793884.